The following is an entry in ClinVar:

NM_024675.4(PALB2):c.308G>C (p.Gly103Ala)

Gene: PALB2 (partner and localizer of BRCA2; minus strand). Cytogenetic location: 16p12.2.
Variant type: single nucleotide variant.
Coding change: c.308G>C on transcript NM_024675.4 (MANE Select); coding-DNA position 308, G replaced by C.
Protein change: p.Gly103Ala; replaces glycine 103 with alanine.
Molecular consequence: missense variant. On other transcripts: 5 prime UTR variant (8), intron variant (3).
Genome position (GRCh38, 1-based): chr16:23,636,238, C>G on the plus strand (G>C on the coding strand, the complement: PALB2 is on the minus strand). VCF-style: chr16-23636238-C-G. GRCh37 (hg19) VCF-style: chr16-23647559-C-G.
Other names: c.248G>C, p.Gly83Ala (NM_001407296.1); c.308G>C, p.Gly103Ala (NM_001407297.1, NM_001407298.1, NM_001407299.1 and 3 more transcripts); c.-578G>C (NM_001407304.1, NM_001407305.1, NM_001407306.1 and 5 more transcripts); c.48+4872G>C (NM_001407314.1); c.-105+4872G>C (NM_001407313.1, NM_001407312.1); short protein forms G103A, G83A.
Identifiers: ClinVar variation 3687205 (VCV003687205.2).
Genomic context (GRCh38, chr16:23,636,238, plus strand): 5'-TCATCTGTTCTTTGTATAGGTAATCCTCCTGGGCCATCTCCAGGGTTAAAGGACTCAGGC[C>G]CAACATCAAGTGTGATAGATGTCTTTTCTCCAGTTTCTTCATCAAGATGGGTTTTGATGT-3'
Protein context (NP_078951.2, residues 93-113): GEKTSITLDV[Gly103Ala]PESFNPGDGP

ClinVar aggregate classification (germline): Uncertain significance (1 of 4 stars; one submission).

Conditions:
Familial cancer of breast. Also called: hereditary breast carcinoma; BREAST CANCER, FAMILIAL; Hereditary breast cancer. Identifiers: Orphanet 227535, MedGen C0346153, MONDO:0016419, OMIM 114480. Disease mechanism: loss of function.

Submission:

Labcorp Genetics (formerly Invitae), Labcorp
Classification: Uncertain significance for Familial cancer of breast. Last evaluated: 2026-01-28. Review status: criteria provided, single submitter. Criteria: Invitae Variant Classification Sherloc (09022015). Collection method: clinical testing. Allele origin: germline.
Comment: This sequence change replaces glycine, which is neutral and non-polar, with alanine, which is neutral and non-polar, at codon 103 of the PALB2 protein (p.Gly103Ala). This variant is not present in population databases (gnomAD no frequency). This variant has not been reported in the literature in individuals affected with PALB2-related conditions. ClinVar contains an entry for this variant (Variation ID: 3687205). An algorithm developed to predict the effect of missense changes on protein structure and function (PolyPhen-2) suggests that this variant is likely to be tolerated. In summary, the available evidence is currently insufficient to determine the role of this variant in disease. Therefore, it has been classified as a Variant of Uncertain Significance.